The following is an entry in ClinVar:

NM_001330260.2(SCN8A):c.5171A>G (p.Asp1724Gly)

Gene: SCN8A (sodium voltage-gated channel alpha subunit 8; plus strand). Cytogenetic location: 12q13.13.
Variant type: single nucleotide variant.
Coding change: c.5171A>G on transcript NM_001330260.2 (MANE Select); coding-DNA position 5171, A replaced by G.
Protein change: p.Asp1724Gly; replaces aspartic acid 1724 with glycine.
Molecular consequence: missense variant.
Genome position (GRCh38, 1-based): chr12:51,806,657, A>G. VCF-style: chr12-51806657-A-G. GRCh37 (hg19) VCF-style: chr12-52200441-A-G.
Other names: c.5048A>G, p.Asp1683Gly (NM_001177984.3, NM_001369788.1); c.5171A>G, p.Asp1724Gly (NM_014191.4); short protein forms D1683G, D1724G.
Identifiers: ClinVar variation 3774930 (VCV003774930.1).
Genomic context (GRCh38, chr12:51,806,657, plus strand): 5'-CAGCTGGTTGGGATGGCCTGCTGCTGCCCATCCTAAACCGCCCCCCTGACTGCAGCCTAG[A>G]TAAGGAACACCCAGGGAGTGGCTTTAAGGGAGATTGTGGGAACCCCTCAGTGGGCATCTT-3'
Protein context (NP_001317189.1, residues 1714-1734): ILNRPPDCSL[Asp1724Gly]KEHPGSGFKG

ClinVar aggregate classification (germline): Uncertain significance (1 of 4 stars; one submission).

Submission:

GeneDx
Classification: Uncertain significance. Last evaluated: 2024-09-25. Review status: criteria provided, single submitter. Criteria: GeneDx Variant Classification Process June 2021. Collection method: clinical testing. Allele origin: germline. Affected: yes.
Comment: Not observed at significant frequency in large population cohorts (gnomAD); In silico analysis supports that this missense variant has a deleterious effect on protein structure/function; This substitution is predicted to be within the extracellular loop between the S5 and S6 transmembrane segments of the fourth homologous domain; Has not been previously published as pathogenic or benign to our knowledge